The following is an entry in ClinVar:

ClinVar aggregate classification (germline): Conflicting classifications of pathogenicity. Review status: criteria provided, conflicting classifications (1 of 4 stars). 2 submissions from 2 submitters: Uncertain significance (1); Benign (1). Last evaluated 2026-01-19.

Allele frequency attached by ClinVar (database versions not stated): gnomAD 0.00015; 1000 Genomes Project 0.00020; TOPMed 0.00025; 1000 Genomes Project 30x 0.00016; gnomAD exomes 0.00016; ExAC 0.00058.
gnomAD v4.1: 248 of 1,614,172 alleles (0.015%); highest among the groups gnomAD compares: Admixed American, 0.26%; 2 homozygotes.

Submissions (3):

Labcorp Genetics (formerly Invitae), Labcorp
Classification: Benign. Last evaluated: 2026-01-19. Review status: criteria provided, single submitter. Criteria: Invitae Variant Classification Sherloc (09022015). Collection method: clinical testing. Allele origin: germline.

Mayo Clinic Laboratories, Mayo Clinic
Classification: Uncertain significance. Last evaluated: 2024-02-16. Review status: criteria provided, single submitter. Criteria: ACMG Guidelines, 2015. Collection method: clinical testing. Allele origin: germline. Observed: 1 variant allele.
Comment: BS2

Dr. Peter K. Rogan Lab, Western University
No classification provided (evidence only). Condition: Ovarian serous cystadenocarcinoma. Review status: no classification provided. Collection method: in vitro. Allele origin: not applicable. Functional consequence: retained intron. Not counted in ClinVar's aggregate classification.

NM_001367805.3(KIF23):c.1273G>A (p.Val425Met)

Gene: KIF23 (kinesin family member 23; plus strand). Cytogenetic location: 15q23.
Variant type: single nucleotide variant.
Coding change: c.1273G>A on transcript NM_001367805.3 (MANE Select); coding-DNA position 1273, G replaced by A.
Protein change: p.Val425Met; replaces valine 425 with methionine.
Molecular consequence: missense variant. On other transcripts: non-coding transcript variant (2).
Genome position (GRCh38, 1-based): chr15:69,435,730, G>A. VCF-style: chr15-69435730-G-A. GRCh37 (hg19) VCF-style: chr15-69728069-G-A.
Other names: p.Val411Met; c.901G>A, p.Val301Met (NM_001281301.2); c.1231G>A, p.Val411Met (NM_001367804.2, NM_004856.7, NM_138555.4); short protein forms V411M, V425M, V301M.
Identifiers: ClinVar variation 2058444 (VCV002058444.6), dbSNP rs543990042, ClinGen allele CA7635131.